The following is an entry in ClinVar:

ClinVar aggregate classification (germline): Uncertain significance. Review status: criteria provided, multiple submitters, no conflicts (2 of 4 stars). 2 submissions from 2 submitters: Uncertain significance (2). Last evaluated 2022-09-26.

Conditions:
Hereditary cancer-predisposing syndrome. Also called: Hereditary neoplastic syndrome; Tumor predisposition; Neoplastic Syndromes, Hereditary; Hereditary Cancer Syndrome. Identifiers: Orphanet 140162, MedGen C0027672, MeSH D009386, MONDO:0015356.
Gorlin syndrome. Also called: Nevoid Basal Cell Carcinoma Syndrome; Basal cell nevus syndrome. Identifiers: Orphanet 377, MedGen C0004779, MONDO:0007187.

Submissions (2):

Ambry Genetics
Classification: Uncertain significance for Hereditary cancer-predisposing syndrome. Last evaluated: 2022-09-26. Review status: criteria provided, single submitter. Criteria: Ambry Variant Classification Scheme 2023. Collection method: clinical testing. Allele origin: germline.
Comment: The p.V114L variant (also known as c.340G>T), located in coding exon 2 of the PTCH1 gene, results from a G to T substitution at nucleotide position 340. The valine at codon 114 is replaced by leucine, an amino acid with highly similar properties. This amino acid position is conserved. In addition, this alteration is predicted to be deleterious by in silico analysis. Since supporting evidence is limited at this time, the clinical significance of this alteration remains unclear.

Labcorp Genetics (formerly Invitae), Labcorp
Classification: Uncertain significance for Gorlin syndrome. Last evaluated: 2021-08-06. Review status: criteria provided, single submitter. Criteria: Invitae Variant Classification Sherloc (09022015). Collection method: clinical testing. Allele origin: germline.
Comment: This variant is not present in population databases (ExAC no frequency). This sequence change replaces valine with leucine at codon 114 of the PTCH1 protein (p.Val114Leu). The valine residue is moderately conserved and there is a small physicochemical difference between valine and leucine. This variant has not been reported in the literature in individuals affected with PTCH1-related conditions. Advanced modeling of protein sequence and biophysical properties (such as structural, functional, and spatial information, amino acid conservation, physicochemical variation, residue mobility, and thermodynamic stability) performed at Invitae indicates that this missense variant is not expected to disrupt PTCH1 protein function. In summary, the available evidence is currently insufficient to determine the role of this variant in disease. Therefore, it has been classified as a Variant of Uncertain Significance.

NM_000264.5(PTCH1):c.340G>T (p.Val114Leu)

Gene: PTCH1 (patched 1; minus strand). Cytogenetic location: 9q22.32.
Variant type: single nucleotide variant.
Coding change: c.340G>T on transcript NM_000264.5 (MANE Select); coding-DNA position 340, G replaced by T.
Protein change: p.Val114Leu; replaces valine 114 with leucine.
Molecular consequence: missense variant. On other transcripts: 5 prime UTR variant (4), non-coding transcript variant (1).
Genome position (GRCh38, 1-based): chr9:95,506,461, C>A on the plus strand (G>T on the coding strand, the complement: PTCH1 is on the minus strand). VCF-style: chr9-95506461-C-A. GRCh37 (hg19) VCF-style: chr9-98268743-C-A.
Other names: c.142G>T, p.Val48Leu (NM_001083602.3, NM_001354919.2); c.337G>T, p.Val113Leu (NM_001083603.3); c.-114G>T (NM_001083604.3, NM_001083605.3, NM_001083606.3 and 1 more transcripts); c.340G>T, p.Val114Leu (NM_001354918.2); short protein forms V48L, V113L, V114L.
Identifiers: ClinVar variation 1478035 (VCV001478035.8), dbSNP rs1843653470, ClinGen allele CA374120242.